The following is an entry in ClinVar:

ClinVar aggregate classification (germline): Uncertain significance (1 of 4 stars; one submission).

Submission:

Greenwood Genetic Center Diagnostic Laboratories, Greenwood Genetic Center
Classification: Uncertain significance. Last evaluated: 2024-05-24. Review status: criteria provided, single submitter. Criteria: ACMG Guidelines, 2015. Collection method: clinical testing. Allele origin: germline. Affected: yes.
Comment: Gene of Uncertain Significance

NM_020762.4(SRGAP1):c.2881G>A (p.Asp961Asn)

Gene: SRGAP1 (SLIT-ROBO Rho GTPase activating protein 1; plus strand). Cytogenetic location: 12q14.2.
Variant type: single nucleotide variant.
Coding change: c.2881G>A on transcript NM_020762.4 (MANE Select); coding-DNA position 2881, G replaced by A.
Protein change: p.Asp961Asn; replaces aspartic acid 961 with asparagine.
Molecular consequence: missense variant.
Genome position (GRCh38, 1-based): chr12:64,142,295, G>A. VCF-style: chr12-64142295-G-A. GRCh37 (hg19) VCF-style: chr12-64536075-G-A.
Other names: c.2812G>A, p.Asp938Asn (NM_001346201.2); short protein forms D938N, D961N.
Identifiers: ClinVar variation 3338525 (VCV003338525.1).